The following is an entry in ClinVar:

ClinVar aggregate classification (germline): Likely benign. Review status: criteria provided, multiple submitters, no conflicts (2 of 4 stars). 3 submissions from 3 submitters: Likely benign (3). Last evaluated 2026-05-14.

Conditions:
COL4A3-related disorder. Also called: COL4A3-related condition; COL4A3-Related Disorders.

Allele frequency attached by ClinVar (database versions not stated): gnomAD exomes below 0.00001 and 0.00001; TOPMed below 0.00001; gnomAD 0.00001; ExAC 0.00002.
gnomAD v4.1: 6 of 1,612,780 alleles (0.00037%); highest among the groups gnomAD compares: Admixed American, 0.0017%; no homozygotes.

Submissions (3):

PreventionGenetics, part of Exact Sciences
Classification: Likely benign for COL4A3-related condition. Last evaluated: 2026-05-14. Review status: criteria provided, single submitter. Criteria: ACMG Guidelines, 2015. Collection method: clinical testing. Allele origin: germline.
Comment: This variant is classified as likely benign based on ACMG/AMP sequence variant interpretation guidelines (Richards et al. 2015 PMID: 25741868, with internal and published modifications).

Labcorp Genetics (formerly Invitae), Labcorp
Classification: Likely benign. Last evaluated: 2023-01-16. Review status: criteria provided, single submitter. Criteria: Invitae Variant Classification Sherloc (09022015). Collection method: clinical testing. Allele origin: germline.

GeneDx
Classification: Likely benign. Last evaluated: 2017-08-29. Review status: criteria provided, single submitter. Criteria: GeneDx Variant Classification (06012015). Collection method: clinical testing. Allele origin: germline. Affected: yes.
Comment: This variant is considered likely benign or benign based on one or more of the following criteria: it is a conservative change, it occurs at a poorly conserved position in the protein, it is predicted to be benign by multiple in silico algorithms, and/or has population frequency not consistent with disease.

NM_000091.5(COL4A3):c.646-7C>T

Genes: COL4A3 (collagen type IV alpha 3 chain; plus strand), MFF-DT (MFF divergent transcript; minus strand). Cytogenetic location: 2q36.3.
Variant type: single nucleotide variant.
Coding change: c.646-7C>T on transcript NM_000091.5 (MANE Select); 7 bases into the intron before coding-DNA position 646, C replaced by T.
Molecular consequence: intron variant.
Genome position (GRCh38, 1-based): chr2:227,253,289, C>T. VCF-style: chr2-227253289-C-T. GRCh37 (hg19) VCF-style: chr2-228118005-C-T.
Identifiers: ClinVar variation 511546 (VCV000511546.10), dbSNP rs749329223, ClinGen allele CA2146254.